The following is an entry in ClinVar:

NM_016004.5(IFT52):c.868C>T (p.Leu290Phe)

Gene: IFT52 (intraflagellar transport 52; plus strand). Cytogenetic location: 20q13.12.
Variant type: single nucleotide variant.
Coding change: c.868C>T on transcript NM_016004.5 (MANE Select); coding-DNA position 868, C replaced by T.
Protein change: p.Leu290Phe; replaces leucine 290 with phenylalanine.
Molecular consequence: missense variant.
Genome position (GRCh38, 1-based): chr20:43,623,990, C>T. VCF-style: chr20-43623990-C-T. GRCh37 (hg19) VCF-style: chr20-42252630-C-T.
Other names: c.868C>T, p.Leu290Phe (NM_001303458.3, NM_001303459.3); c.340C>T, p.Leu114Phe (NM_001323578.2, NM_001323580.2); c.217C>T, p.Leu73Phe (NM_001323579.2, NM_001323581.2); short protein forms L114F, L290F, L73F.
Identifiers: ClinVar variation 1413163 (VCV001413163.7), dbSNP rs1055843580, ClinGen allele CA314575494.

ClinVar aggregate classification (germline): Uncertain significance (1 of 4 stars; one submission).

Allele frequency attached by ClinVar (database versions not stated): gnomAD 0.00001; TOPMed 0.00001.
gnomAD v4.1: 5 of 1,614,048 alleles (0.00031%); highest among the groups gnomAD compares: Non-Finnish European, 0.00042%; no homozygotes.

Submission:

Labcorp Genetics (formerly Invitae), Labcorp
Classification: Uncertain significance. Last evaluated: 2022-07-25. Review status: criteria provided, single submitter. Criteria: Invitae Variant Classification Sherloc (09022015). Collection method: clinical testing. Allele origin: germline.
Comment: ClinVar contains an entry for this variant (Variation ID: 1413163). In summary, the available evidence is currently insufficient to determine the role of this variant in disease. Therefore, it has been classified as a Variant of Uncertain Significance. Algorithms developed to predict the effect of missense changes on protein structure and function are either unavailable or do not agree on the potential impact of this missense change (SIFT: "Not Available"; PolyPhen-2: "Possibly Damaging"; Align-GVGD: "Not Available"). This variant has not been reported in the literature in individuals affected with IFT52-related conditions. This variant is not present in population databases (gnomAD no frequency). This sequence change replaces leucine, which is neutral and non-polar, with phenylalanine, which is neutral and non-polar, at codon 290 of the IFT52 protein (p.Leu290Phe).